The following is an entry in ClinVar:

ClinVar aggregate classification (germline): Uncertain significance. Review status: criteria provided, multiple submitters, no conflicts (2 of 4 stars). 2 submissions from 2 submitters: Uncertain significance (2). Last evaluated 2026-04-01.

Conditions:
Inborn genetic diseases. Identifiers: MedGen C0950123, MeSH D030342.

gnomAD v4.1: 6 of 1,605,592 alleles (0.00037%); highest among the groups gnomAD compares: East Asian, 0.0022%; no homozygotes.

Submissions (2):

Ambry Genetics
Classification: Uncertain significance for Inborn genetic diseases. Last evaluated: 2026-04-01. Review status: criteria provided, single submitter. Criteria: Ambry Variant Classification Scheme 2023. Collection method: clinical testing. Allele origin: germline.
Comment: The c.554C>T (p.A185V) alteration is located in exon 5 (coding exon 5) of the ZNF292 gene. This alteration results from a C to T substitution at nucleotide position 554, causing the alanine (A) at amino acid position 185 to be replaced by a valine (V). Based on data from gnomAD, the T allele has an overall frequency of 0.001% (2/243746) total alleles studied. The highest observed frequency was 0.002% (2/111322) of European (non-Finnish) alleles. Based on insufficient or conflicting evidence, the clinical significance of this alteration remains unclear.

GeneDx
Classification: Uncertain significance. Last evaluated: 2023-06-06. Review status: criteria provided, single submitter. Criteria: GeneDx Variant Classification Process June 2021. Collection method: clinical testing. Allele origin: germline. Affected: yes.
Comment: In silico analysis supports that this missense variant does not alter protein structure/function; Has not been previously published as pathogenic or benign to our knowledge

NM_015021.3(ZNF292):c.554C>T (p.Ala185Val)

Gene: ZNF292 (zinc finger protein 292; plus strand). Cytogenetic location: 6q14.3.
Variant type: single nucleotide variant.
Coding change: c.554C>T on transcript NM_015021.3 (MANE Select); coding-DNA position 554, C replaced by T.
Protein change: p.Ala185Val; replaces alanine 185 with valine.
Molecular consequence: missense variant.
Genome position (GRCh38, 1-based): chr6:87,233,340, C>T. VCF-style: chr6-87233340-C-T. GRCh37 (hg19) VCF-style: chr6-87943058-C-T.
Other names: c.134C>T, p.Ala45Val (NM_001351444.2); short protein forms A185V, A45V.
Identifiers: ClinVar variation 3359453 (VCV003359453.2).